The following is an entry in ClinVar:

NC_000023.10:g.(?_138633201)_(138633443_?)del

Gene: F9 (coagulation factor IX; plus strand). Cytogenetic location: Xq27.1.
Variant type: Deletion.
Identifiers: ClinVar variation 3245273 (VCV003245273.1).

ClinVar aggregate classification (germline): Pathogenic (1 of 4 stars; one submission).

Conditions:
Hereditary factor IX deficiency disease (HEMB). Also called: F9 DEFICIENCY; FACTOR IX DEFICIENCY; PLASMA THROMBOPLASTIN COMPONENT DEFICIENCY; Hemophilia B; Christmas Disease. Identifiers: Orphanet 98879, MedGen C0008533, MeSH D002836, MONDO:0010604, OMIM 306900.
Thrombophilia, X-linked, due to factor 9 defect. Identifiers: MedGen C2749016, MONDO:0010432, OMIM 300807.

Submission:

Labcorp Genetics (formerly Invitae), Labcorp
Classification: Pathogenic for Thrombophilia, X-linked, due to factor 9 defect; Hereditary factor IX deficiency disease. Last evaluated: 2023-03-02. Review status: criteria provided, single submitter. Criteria: Invitae Variant Classification Sherloc (09022015). Collection method: clinical testing. Allele origin: unknown.
Comment: This variant is a gross deletion of the genomic region encompassing exon(s) 6 of the F9 gene. This deletion is out-of-frame, and is expected to create a premature termination codon and result in an absent or disrupted protein product. Loss-of-function variants in F9 are known to be pathogenic (PMID: 20301668). A similar copy number variant has been observed in individuals with hemophilia B (PMID: 23093250, 32875744). For these reasons, this variant has been classified as Pathogenic.

Literature cited by the submitters: PubMed 20301668; PubMed 23093250; PubMed 32875744.